The following is an entry in ClinVar:

ClinVar aggregate classification (germline): Likely pathogenic (1 of 4 stars; one submission).

Conditions:
alpha Thalassemia. Also called: Alpha thalassemia spectrum. Identifiers: Orphanet 846, MedGen C0002312, MONDO:0011399, OMIM 604131.

Submission:

Natera, Inc.
Classification: Likely pathogenic for Alpha thalassemia. Last evaluated: 2026-01-28. Review status: criteria provided, single submitter. Criteria: Natera Variant Classification Schema (03/2026). Collection method: clinical testing. Allele origin: germline.
Comment: The c.118dup variant in HBA1 is a frameshift variant predicted to shift the reading frame beginning at codon 40 and leads to a stop codon 18 codons downstream. This variant is expected to result in nonsense mediated decay, truncation, or a dysfunctional protein product. This variant is rare in the general population with a frequency below the threshold expected for the associated phenotype(s). Given the available evidence, this variant is classified as Likely Pathogenic.

NM_000558.5(HBA1):c.118dup (p.Thr40fs)

Genes: HBA1 (hemoglobin subunit alpha 1; plus strand), LOC106804613 (hemoglobin subunit alpha 1 recombination region; plus strand). Cytogenetic location: 16p13.3.
Variant type: Duplication.
Coding change: c.118dup on transcript NM_000558.5 (MANE Select); coding-DNA position 118, one base duplicated (A; older notation c.118dupA).
Protein change: p.Thr40fs; shifts the reading frame from threonine 40.
Molecular consequence: frameshift variant.
Genome position (GRCh38, 1-based): chr16:176,951, A duplicated. VCF-style (leftmost placement, unchanged base first): chr16-176950-C-CA. GRCh37 (hg19) VCF-style: chr16-226949-C-CA.
Other names: short protein forms T40fs.
Identifiers: ClinVar variation 4814364 (VCV004814364.1).
Genomic context (GRCh38, chr16:176,950, plus strand): 5'-GGACCCAAACCCCACCCCTCACTCTGCTTCTCCCCGCAGGATGTTCCTGTCCTTCCCCAC[C>CA]ACCAAGACCTACTTCCCGCACTTCGACCTGAGCCACGGCTCTGCCCAGGTTAAGGGCCAC-3'